The following is an entry in ClinVar:

NM_001368067.1(LDB3):c.841G>A (p.Val281Ile)

Gene: LDB3 (LIM domain binding 3; plus strand). Cytogenetic location: 10q23.2.
Variant type: single nucleotide variant.
Coding change: c.841G>A on transcript NM_001368067.1 (MANE Plus Clinical); coding-DNA position 841, G replaced by A.
Protein change: p.Val281Ile; replaces valine 281 with isoleucine.
Molecular consequence: missense variant. On other transcripts: intron variant (6).
Genome position (GRCh38, 1-based): chr10:86,699,363, G>A. VCF-style: chr10-86699363-G-A. GRCh37 (hg19) VCF-style: chr10-88459120-G-A.
Other names: c.982G>A, p.Val328Ile (NM_001080115.2, NM_001368063.1); c.841G>A, p.Val281Ile (NM_001080116.1, NM_001368068.1); c.1186G>A, p.Val396Ile (NM_001171611.2); c.896+6792G>A (NM_001368064.1, NM_007078.3, NM_001368065.1); c.1100+6792G>A (NM_001171610.2); c.755+6792G>A (NM_001368066.1, NM_001080114.2); short protein forms V281I, V328I, V396I.
Identifiers: ClinVar variation 1418893 (VCV001418893.8), dbSNP rs1846156698, ClinGen allele CA377445290.

ClinVar aggregate classification (germline): Uncertain significance (1 of 4 stars; one submission).

Conditions:
Myofibrillar myopathy 4. Also called: Zaspopathy (type). Identifiers: Orphanet 98912, MedGen C4721886, MONDO:0012277, OMIM 609452.

Allele frequency attached by ClinVar (database versions not stated): TOPMed below 0.00001.

Submission:

Labcorp Genetics (formerly Invitae), Labcorp
Classification: Uncertain significance for Myofibrillar myopathy 4. Last evaluated: 2021-03-10. Review status: criteria provided, single submitter. Criteria: Invitae Variant Classification Sherloc (09022015). Collection method: clinical testing. Allele origin: germline.
Comment: This variant is not present in population databases (ExAC no frequency). This sequence change replaces valine with isoleucine at codon 281 of the LDB3 protein (p.Val281Ile). The valine residue is weakly conserved and there is a small physicochemical difference between valine and isoleucine. This variant has not been reported in the literature in individuals with LDB3-related conditions. Algorithms developed to predict the effect of missense changes on protein structure and function (SIFT, PolyPhen-2, Align-GVGD) all suggest that this variant is likely to be tolerated, but these predictions have not been confirmed by published functional studies and their clinical significance is uncertain. In summary, the available evidence is currently insufficient to determine the role of this variant in disease. Therefore, it has been classified as a Variant of Uncertain Significance.